The following is an entry in ClinVar:

ClinVar aggregate classification (germline): Uncertain significance. Review status: criteria provided, multiple submitters, no conflicts (2 of 4 stars). 2 submissions from 2 submitters: Uncertain significance (2). Last evaluated 2024-09-30.

Conditions:
Inborn genetic diseases. Identifiers: MedGen C0950123, MeSH D030342.

Submissions (2):

GeneDx
Classification: Uncertain significance. Last evaluated: 2024-09-30. Review status: criteria provided, single submitter. Criteria: GeneDx Variant Classification Process June 2021. Collection method: clinical testing. Allele origin: germline. Affected: yes.
Comment: Not observed at significant frequency in large population cohorts (gnomAD); In silico analysis supports that this missense variant has a deleterious effect on protein structure/function; Has not been previously published as pathogenic or benign to our knowledge

Ambry Genetics
Classification: Uncertain significance for Inborn genetic diseases. Last evaluated: 2022-02-11. Review status: criteria provided, single submitter. Criteria: Ambry Variant Classification Scheme 2023. Collection method: clinical testing. Allele origin: germline.

NM_014159.7(SETD2):c.5060G>T (p.Gly1687Val)

Gene: SETD2 (SET domain containing 2, histone lysine methyltransferase; minus strand). Cytogenetic location: 3p21.31.
Variant type: single nucleotide variant.
Coding change: c.5060G>T on transcript NM_014159.7 (MANE Select); coding-DNA position 5060, G replaced by T.
Protein change: p.Gly1687Val; replaces glycine 1687 with valine.
Molecular consequence: missense variant. On other transcripts: non-coding transcript variant (1).
Genome position (GRCh38, 1-based): chr3:47,098,037, C>A on the plus strand (G>T on the coding strand, the complement: SETD2 is on the minus strand). VCF-style: chr3-47098037-C-A. GRCh37 (hg19) VCF-style: chr3-47139527-C-A.
Other names: c.4928G>T, p.Gly1643Val (NM_001349370.3); short protein forms G1643V, G1687V.
Identifiers: ClinVar variation 2277226 (VCV002277226.4), dbSNP rs2107674587, ClinGen allele CA352512000.